The following is an entry in ClinVar:

NC_000016.9:g.(?_89828337)_(89828450_?)del

Gene: FANCA (FA complementation group A; minus strand). Cytogenetic location: 16q24.3.
Variant type: Deletion.
Identifiers: ClinVar variation 3243225 (VCV003243225.1).

ClinVar aggregate classification (germline): Pathogenic (1 of 4 stars; one submission).

Conditions:
Fanconi anemia (FA). Also called: Fanconi's anemia. Identifiers: Orphanet 84, MedGen C0015625, MeSH D005199, MONDO:0019391.

Submission:

Labcorp Genetics (formerly Invitae), Labcorp
Classification: Pathogenic for Fanconi anemia. Last evaluated: 2023-11-24. Review status: criteria provided, single submitter. Criteria: Invitae Variant Classification Sherloc (09022015). Collection method: clinical testing. Allele origin: unknown.
Comment: This variant is a gross deletion of the genomic region encompassing exon(s) 29 of the FANCA gene. This deletion is out-of-frame, and is expected to create a premature termination codon and result in an absent or disrupted protein product. Loss-of-function variants in FANCA are known to be pathogenic (PMID: 19367192). A similar copy number variant has been observed in individual(s) with Fanconi anemia (PMID: 17924555). For these reasons, this variant has been classified as Pathogenic.

Literature cited by the submitters: PubMed 19367192; PubMed 17924555.